The following is an entry in ClinVar:

NM_001110556.2(FLNA):c.124A>G (p.Lys42Glu)

Gene: FLNA (filamin A; minus strand). Cytogenetic location: Xq28.
Variant type: single nucleotide variant.
Coding change: c.124A>G on transcript NM_001110556.2 (MANE Select); coding-DNA position 124, A replaced by G.
Protein change: p.Lys42Glu; replaces lysine 42 with glutamic acid.
Molecular consequence: missense variant.
Genome position (GRCh38, 1-based): chrX:154,371,122, T>C on the plus strand (A>G on the coding strand, the complement: FLNA is on the minus strand). VCF-style: chrX-154371122-T-C. GRCh37 (hg19) VCF-style: chrX-153599490-T-C.
Other names: c.124A>G, p.Lys42Glu (NM_001456.4); short protein forms K42E.
Identifiers: ClinVar variation 2632816 (VCV002632816.2), dbSNP rs2522771783, ClinGen allele CA415255460.

ClinVar aggregate classification (germline): Conflicting classifications of pathogenicity. Review status: criteria provided, conflicting classifications (1 of 4 stars). 2 submissions from 2 submitters: Likely pathogenic (1); Uncertain significance (1). Last evaluated 2024-08-13.

Conditions:
FLNA-related disorder.

Submissions (2):

Blueprint Genetics
Classification: Uncertain significance. Last evaluated: 2024-08-13. Review status: criteria provided, single submitter. Criteria: ACMG Guidelines, 2015. Collection method: clinical testing. Allele origin: germline.

PreventionGenetics, part of Exact Sciences
Classification: Likely pathogenic for FLNA-related condition. Last evaluated: 2023-05-14. Review status: criteria provided, single submitter. Criteria: ACMG Guidelines, 2015. Collection method: clinical testing. Allele origin: germline.
Comment: The FLNA c.124A>G variant is predicted to result in the amino acid substitution p.Lys42Glu. To our knowledge, this variant has not been reported in the literature or in a large population database, indicating this variant is rare. This variant is interpreted as likely pathogenic.